The following is an entry in ClinVar:

ClinVar aggregate classification (germline): Likely pathogenic. Review status: criteria provided, single submitter (1 of 4 stars). 2 submissions from 2 submitters: Likely pathogenic (1). 1 of the submissions does not count toward it. Last evaluated 2019-07-06.

Conditions:
HNF1B-related disorder. Also called: HNF1B-related condition; HNF1B-related disorders.
Renal cysts and diabetes syndrome (RCAD). Also called: Familial hypoplastic, glomerulocystic kidney; MATURITY-ONSET DIABETES OF THE YOUNG, TYPE 5. Identifiers: Orphanet 93111, MedGen C0431693, MONDO:0007669, OMIM 137920.

Submissions (2):

Institute of Human Genetics, FAU Erlangen, Friedrich-Alexander-Universität Erlangen-Nürnberg
Classification: Likely pathogenic for Renal cysts and diabetes syndrome. Last evaluated: 2019-07-06. Review status: criteria provided, single submitter. Criteria: ACMG Guidelines, 2015. Collection method: literature only. Allele origin: germline. Affected: yes.
Comment: This variant and it's classification has been reported by Vasileiou et al. 2019; DOI:10.1101/576918. The variants has previously been reported in PMID:24897035 as "c.904 A>G p.Asn302Asp" with clinical significance Pathogenic. It has been re-classified using InterVar and manual curation as Likely pathogenic based on PM1 PM2 PM5 PM5 PP3 PP5.

PreventionGenetics, part of Exact Sciences
Classification: Likely pathogenic for HNF1B-related condition. Last evaluated: 2024-06-27. Review status: no assertion criteria provided. Collection method: clinical testing. Allele origin: germline. Not counted in ClinVar's aggregate classification.
Comment: The HNF1B c.904A>G variant is predicted to result in the amino acid substitution p.Asn302Asp. The p.Asn302 residue is located at a highly conserved region, termed homeodomain, which is critical for the function of the HNF1B-encoded transcription factor (Clissold et al. 2014. PubMed ID: 25536396). Missense variants at this region have been widely reported in individuals with HNF1B-related diseases (Human Gene Mutation Database), including this variant (Faguer et al. 2014. PubMed ID: 24897035). Of note, a different substitution at the same codon (p.Asn302Lys) has been reported in an individual with prenatal onset of bilateral hyperechogenic kidneys and postnatal bilateral cortical cysts (Heidet et al. 2010. PubMed ID: 20378641). The c.904A>G (p.Asn302Asp) variant has not been reported in a large population database, indicating this variant is rare. This variant is interpreted as likely pathogenic.

Literature cited by the submitters: PubMed 24897035 (cited by Institute of Human Genetics, FAU Erlangen, Friedrich-Alexander-Universität Erlangen-Nürnberg); DOI 10.1101/576918 (cited by Institute of Human Genetics, FAU Erlangen, Friedrich-Alexander-Universität Erlangen-Nürnberg).

NM_000458.4(HNF1B):c.904A>G (p.Asn302Asp)

Gene: HNF1B (HNF1 homeobox B; minus strand). Cytogenetic location: 17q12.
Variant type: single nucleotide variant.
Coding change: c.904A>G on transcript NM_000458.4 (MANE Select); coding-DNA position 904, A replaced by G.
Protein change: p.Asn302Asp; replaces asparagine 302 with aspartic acid.
Molecular consequence: missense variant.
Genome position (GRCh38, 1-based): chr17:37,731,736, T>C on the plus strand (A>G on the coding strand, the complement: HNF1B is on the minus strand). VCF-style: chr17-37731736-T-C. GRCh37 (hg19) VCF-style: chr17-36091727-T-C.
Other names: c.826A>G, p.Asn276Asp (NM_001165923.4, NM_001304286.2); short protein forms N302D, N276D.
Identifiers: ClinVar variation 635627 (VCV000635627.3), dbSNP rs2511801587, ClinGen allele CA398746789.
Genomic context (GRCh38, chr17:37,731,736, plus strand): 5'-GGTTGGAGCTATAGGCGTCCATGGCCAGCTTTTGCCGGAATGCCTCCTCCTTCCTGCGGT[T>C]TGCAAACCAGTTGTAGACACGGACCTCAGTGACCAAGTTGGAGCCCAGGCCGTGGGCTTT-3'
Protein context (NP_000449.1, residues 292-312): TEVRVYNWFA[Asn302Asp]RRKEEAFRQK